The following is an entry in ClinVar:

ClinVar aggregate classification (germline): Uncertain significance. Review status: criteria provided, multiple submitters, no conflicts (2 of 4 stars). 3 submissions from 3 submitters: Uncertain significance (3). Last evaluated 2024-05-10.

Conditions:
Inborn genetic diseases. Identifiers: MedGen C0950123, MeSH D030342.
Fanconi anemia complementation group P. Also called: SLX4-Related Fanconi Anemia. Identifiers: Orphanet 84, MedGen C3469542, MONDO:0013499, OMIM 613951.
Fanconi anemia (FA). Also called: Fanconi's anemia. Identifiers: Orphanet 84, MedGen C0015625, MeSH D005199, MONDO:0019391.

Allele frequency attached by ClinVar (database versions not stated): gnomAD exomes 0.00001 and 0.00002; gnomAD 0.00004; ExAC 0.00005; TOPMed 0.00005; ESP Exome Variant Server 0.00015.

Submissions (3):

Ambry Genetics
Classification: Uncertain significance for Inborn genetic diseases. Last evaluated: 2024-05-10. Review status: criteria provided, single submitter. Criteria: Ambry Variant Classification Scheme 2023. Collection method: clinical testing. Allele origin: germline.

Fulgent Genetics
Classification: Uncertain significance for Fanconi anemia complementation group P. Last evaluated: 2024-01-05. Review status: criteria provided, single submitter. Criteria: ACMG Guidelines, 2015. Collection method: clinical testing. Allele origin: germline.

Labcorp Genetics (formerly Invitae), Labcorp
Classification: Uncertain significance for Fanconi anemia. Last evaluated: 2021-12-16. Review status: criteria provided, single submitter. Criteria: Invitae Variant Classification Sherloc (09022015). Collection method: clinical testing. Allele origin: germline.
Comment: This sequence change replaces proline, which is neutral and non-polar, with serine, which is neutral and polar, at codon 1261 of the SLX4 protein (p.Pro1261Ser). This variant is present in population databases (rs141860134, gnomAD 0.03%). This variant has not been reported in the literature in individuals affected with SLX4-related conditions. ClinVar contains an entry for this variant (Variation ID: 941251). Algorithms developed to predict the effect of missense changes on protein structure and function are either unavailable or do not agree on the potential impact of this missense change (SIFT: "Deleterious"; PolyPhen-2: "Probably Damaging"; Align-GVGD: "Class C0"). In summary, the available evidence is currently insufficient to determine the role of this variant in disease. Therefore, it has been classified as a Variant of Uncertain Significance.

NM_032444.4(SLX4):c.3781C>T (p.Pro1261Ser)

Gene: SLX4 (SLX4 structure-specific endonuclease subunit; minus strand). Cytogenetic location: 16p13.3.
Variant type: single nucleotide variant.
Coding change: c.3781C>T on transcript NM_032444.4 (MANE Select); coding-DNA position 3781, C replaced by T.
Protein change: p.Pro1261Ser; replaces proline 1261 with serine.
Molecular consequence: missense variant.
Genome position (GRCh38, 1-based): chr16:3,589,857, G>A on the plus strand (C>T on the coding strand, the complement: SLX4 is on the minus strand). VCF-style: chr16-3589857-G-A. GRCh37 (hg19) VCF-style: chr16-3639858-G-A.
Other names: short protein forms P1261S.
Identifiers: ClinVar variation 941251 (VCV000941251.9), dbSNP rs141860134, ClinGen allele CA7865835.